The following is an entry in ClinVar:

NM_030665.4(RAI1):c.3682T>G (p.Phe1228Val)

Gene: RAI1 (retinoic acid induced 1; plus strand). Cytogenetic location: 17p11.2.
Variant type: single nucleotide variant.
Coding change: c.3682T>G on transcript NM_030665.4 (MANE Select); coding-DNA position 3682, T replaced by G.
Protein change: p.Phe1228Val; replaces phenylalanine 1228 with valine.
Molecular consequence: missense variant.
Genome position (GRCh38, 1-based): chr17:17,796,630, T>G. VCF-style: chr17-17796630-T-G. GRCh37 (hg19) VCF-style: chr17-17699944-T-G.
Other names: short protein forms F1228V.
Identifiers: ClinVar variation 378468 (VCV000378468.2), dbSNP rs778151827, ClinGen allele CA8418780.
Genomic context (GRCh38, chr17:17,796,630, plus strand): 5'-CCTGGTGCAGGCAGCAAGCTCTCTGACCGGCCCCTCCATGCGCTCAAAAGGAAGTCGGCC[T>G]TCATGGCGCCGGTCCCCACCAAGAAGCGGAACCTGGTCTTGCGGAGCCGCAGCAGCAGCA-3'
Protein context (NP_109590.3, residues 1218-1238): PLHALKRKSA[Phe1228Val]MAPVPTKKRN

ClinVar aggregate classification (germline): Uncertain significance (1 of 4 stars; one submission).

Allele frequency attached by ClinVar (database versions not stated): gnomAD exomes below 0.00001; ExAC 0.00001.

Submission:

GeneDx
Classification: Uncertain significance. Last evaluated: 2016-12-20. Review status: criteria provided, single submitter. Criteria: GeneDx Variant Classification (06012015). Collection method: clinical testing. Allele origin: germline. Affected: yes.
Comment: The F1228V variant in the RAI1 gene has not been reported previously as a pathogenic variant, nor as a benign variant, to our knowledge. The F1228V variant was not observed in approximately 6500 individuals of European and African American ancestry in the NHLBI Exome Sequencing Project, indicating it is not a common benign variant in these populations. The F1228V variant is a semi-conservative amino acid substitution, which may impact secondary protein structure as these residues differ in some properties. This substitution occurs at a position that is conserved across species. In silico analysis is inconsistent in its predictions as to whether or not the variant is damaging to the protein structure/function. We interpret F1228V as a variant of uncertain significance.